The following is an entry in ClinVar:

NM_020207.7(ERCC6L2):c.748A>G (p.Thr250Ala)

Gene: ERCC6L2 (ERCC excision repair 6 like 2; plus strand). Cytogenetic location: 9q22.32.
Variant type: single nucleotide variant.
Coding change: c.748A>G on transcript NM_020207.7 (MANE Select); coding-DNA position 748, A replaced by G.
Protein change: p.Thr250Ala; replaces threonine 250 with alanine.
Molecular consequence: missense variant. On other transcripts: non-coding transcript variant (1).
Genome position (GRCh38, 1-based): chr9:95,907,231, A>G. VCF-style: chr9-95907231-A-G. GRCh37 (hg19) VCF-style: chr9-98669513-A-G.
Other names: c.748A>G, p.Thr250Ala (NM_001010895.4, NM_001375291.1, NM_001375292.1 and 2 more transcripts); short protein forms T250A.
Identifiers: ClinVar variation 3845859 (VCV003845859.1).

ClinVar aggregate classification (germline): Uncertain significance (1 of 4 stars; one submission).

Conditions:
Inborn genetic diseases. Identifiers: MedGen C0950123, MeSH D030342.

gnomAD v4.1: 1 of 1,613,082 alleles (0.000062%); highest among the groups gnomAD compares: Non-Finnish European, 0.000085%; no homozygotes.

Submission:

Ambry Genetics
Classification: Uncertain significance for Inborn genetic diseases. Last evaluated: 2025-01-10. Review status: criteria provided, single submitter. Criteria: Ambry Variant Classification Scheme 2023. Collection method: clinical testing. Allele origin: germline.
Comment: The p.T250A variant (also known as c.748A>G), located in coding exon 4 of the ERCC6L2 gene, results from an A to G substitution at nucleotide position 748. The threonine at codon 250 is replaced by alanine, an amino acid with similar properties. This amino acid position is conserved. In addition, this alteration is predicted to be deleterious by in silico analysis. Based on the available evidence, the clinical significance of this variant remains unclear.